The following is an entry in ClinVar:

ClinVar aggregate classification (germline): Benign/Likely benign. Review status: criteria provided, multiple submitters, no conflicts (2 of 4 stars). 4 submissions from 4 submitters: Benign (2); Likely benign (1). 1 of the submissions does not count toward it. Last evaluated 2026-02-01.

Conditions:
DIP2C-related disorder. Also called: DIP2C-related condition.

Allele frequency attached by ClinVar (database versions not stated): 1000 Genomes Project 30x 0.00031; 1000 Genomes Project 0.00040; gnomAD exomes 0.00238 and 0.00412; ExAC 0.00241; TOPMed 0.00243; gnomAD 0.00265 and 0.00272; ESP Exome Variant Server 0.00323.
gnomAD v4.1: 6,301 of 1,609,480 alleles (0.39%); highest among the groups gnomAD compares: Non-Finnish European, 0.5%; 16 homozygotes.

Submissions (4):

Labcorp Genetics (formerly Invitae), Labcorp
Classification: Benign. Last evaluated: 2026-02-01. Review status: criteria provided, single submitter. Criteria: Invitae Variant Classification Sherloc (09022015). Collection method: clinical testing. Allele origin: germline.

CeGaT Center for Human Genetics Tuebingen
Classification: Likely benign. Last evaluated: 2025-04-01. Review status: criteria provided, single submitter. Criteria: CeGaT Center For Human Genetics Tuebingen Variant Classification Criteria Version 2. Collection method: clinical testing. Allele origin: germline. Affected: yes. Observed: 4 variant alleles.
Comment: DIP2C: BP4, BP7

Breakthrough Genomics
Classification: Benign. Review status: criteria provided, single submitter. Criteria: ACMG Guidelines, 2015. Collection method: not provided. Allele origin: germline. Inheritance: Unknown mechanism. Affected: yes.

PreventionGenetics, part of Exact Sciences
Classification: Likely benign for DIP2C-related condition. Last evaluated: 2019-05-10. Review status: no assertion criteria provided. Collection method: clinical testing. Allele origin: germline. Not counted in ClinVar's aggregate classification.
Comment: This variant is classified as likely benign based on ACMG/AMP sequence variant interpretation guidelines (Richards et al. 2015 PMID: 25741868, with internal and published modifications).

NM_014974.3(DIP2C):c.408C>T (p.Gly136=)

Gene: DIP2C (DIP2 acetate--CoA ligase C (putative); minus strand). Cytogenetic location: 10p15.3.
Variant type: single nucleotide variant.
Coding change: c.408C>T on transcript NM_014974.3 (MANE Select); coding-DNA position 408, C replaced by T.
Protein change: p.Gly136=; no amino-acid change (glycine 136 retained).
Molecular consequence: synonymous variant.
Genome position (GRCh38, 1-based): chr10:423,020, G>A on the plus strand (C>T on the coding strand, the complement: DIP2C is on the minus strand). VCF-style: chr10-423020-G-A. GRCh37 (hg19) VCF-style: chr10-468960-G-A.
Identifiers: ClinVar variation 724891 (VCV000724891.34), dbSNP rs141856119, ClinGen allele CA5381333.